The following is an entry in ClinVar:

ClinVar aggregate classification (germline): Likely benign (1 of 4 stars; one submission).

Allele frequency attached by ClinVar (database versions not stated): gnomAD exomes 0.00021; ExAC 0.00091; gnomAD 0.00240; 1000 Genomes Project 0.00260; TOPMed 0.00270; 1000 Genomes Project 30x 0.00281; ESP Exome Variant Server 0.00365.

Submission:

CeGaT Center for Human Genetics Tuebingen
Classification: Likely benign. Last evaluated: 2023-04-01. Review status: criteria provided, single submitter. Criteria: CeGaT Center For Human Genetics Tuebingen Variant Classification Criteria Version 2. Collection method: clinical testing. Allele origin: germline. Affected: yes. Observed: 1 variant allele.
Comment: ABO: BP4, BS2

NM_020469.4(ABO):c.529G>A (p.Ala177Thr)

Gene: ABO (ABO, alpha 1-3-N-acetylgalactosaminyltransferase and alpha 1-3-galactosyltransferase; minus strand). Cytogenetic location: 9q34.2.
Variant type: single nucleotide variant.
Coding change: c.529G>A on transcript NM_020469.4 (MANE Select); coding-DNA position 529, G replaced by A.
Protein change: p.Ala177Thr; replaces alanine 177 with threonine.
Molecular consequence: missense variant.
Genome position (GRCh38, 1-based): chr9:133,256,202, C>T on the plus strand (G>A on the coding strand, the complement: ABO is on the minus strand). VCF-style: chr9-133256202-C-T. GRCh37 (hg19) VCF-style: chr9-136131589-C-T.
Other names: short protein forms A177T.
Identifiers: ClinVar variation 2659692 (VCV002659692.24), dbSNP rs55687199, ClinGen allele CA5305812.